The following is an entry in ClinVar:

ClinVar aggregate classification (germline): Uncertain significance (1 of 4 stars; one submission).

Conditions:
Alpha thalassemia-X-linked intellectual disability syndrome (ATRX). Also called: ALPHA-THALASSEMIA/MENTAL RETARDATION SYNDROME, X-LINKED; ATR, NONDELETION TYPE; ATR-X syndrome; Alpha thalassemia mental retardation syndrome, nondeletion type, X-linked; XLMR hypotonic face syndrome; X-linked alpha-thalassemia-mental retardation syndrome. Identifiers: Orphanet 847, MedGen C1845055, MONDO:0010519, OMIM 301040.

Allele frequency attached by ClinVar (database versions not stated): gnomAD exomes 0.00001.
gnomAD v4.1: 9 of 1,209,780 alleles (0.00074%); highest among the groups gnomAD compares: Non-Finnish European, 0.00089%; no homozygotes.

Submission:

Labcorp Genetics (formerly Invitae), Labcorp
Classification: Uncertain significance for Alpha thalassemia-X-linked intellectual disability syndrome. Last evaluated: 2024-02-08. Review status: criteria provided, single submitter. Criteria: Invitae Variant Classification Sherloc (09022015). Collection method: clinical testing. Allele origin: germline.
Comment: This sequence change replaces glutamic acid, which is acidic and polar, with aspartic acid, which is acidic and polar, at codon 1643 of the ATRX protein (p.Glu1643Asp). This variant is not present in population databases (gnomAD no frequency). This variant has not been reported in the literature in individuals affected with ATRX-related conditions. ClinVar contains an entry for this variant (Variation ID: 2087251). Advanced modeling of protein sequence and biophysical properties (such as structural, functional, and spatial information, amino acid conservation, physicochemical variation, residue mobility, and thermodynamic stability) performed at Invitae indicates that this missense variant is not expected to disrupt ATRX protein function with a negative predictive value of 95%. In summary, the available evidence is currently insufficient to determine the role of this variant in disease. Therefore, it has been classified as a Variant of Uncertain Significance.

NM_000489.6(ATRX):c.4929G>C (p.Glu1643Asp)

Gene: ATRX (ATRX chromatin remodeler; minus strand). Cytogenetic location: Xq21.1.
Variant type: single nucleotide variant.
Coding change: c.4929G>C on transcript NM_000489.6 (MANE Select); coding-DNA position 4929, G replaced by C.
Protein change: p.Glu1643Asp; replaces glutamic acid 1643 with aspartic acid.
Molecular consequence: missense variant.
Genome position (GRCh38, 1-based): chrX:77,633,593, C>G on the plus strand (G>C on the coding strand, the complement: ATRX is on the minus strand). VCF-style: chrX-77633593-C-G. GRCh37 (hg19) VCF-style: chrX-76889081-C-G.
Other names: c.4815G>C, p.Glu1605Asp (NM_138270.5); short protein forms E1605D, E1643D.
Identifiers: ClinVar variation 2087251 (VCV002087251.3), dbSNP rs2068210403, ClinGen allele CA413704211.